The following is an entry in ClinVar:

NM_000069.3(CACNA1S):c.2308G>A (p.Ala770Thr)

Gene: CACNA1S (calcium voltage-gated channel subunit alpha1 S; minus strand). Cytogenetic location: 1q32.1.
Variant type: single nucleotide variant.
Coding change: c.2308G>A on transcript NM_000069.3 (MANE Select); coding-DNA position 2308, G replaced by A.
Protein change: p.Ala770Thr; replaces alanine 770 with threonine.
Molecular consequence: missense variant.
Genome position (GRCh38, 1-based): chr1:201,070,324, C>T on the plus strand (G>A on the coding strand, the complement: CACNA1S is on the minus strand). VCF-style: chr1-201070324-C-T. GRCh37 (hg19) VCF-style: chr1-201039452-C-T.
Other names: short protein forms A770T.
Identifiers: ClinVar variation 1974619 (VCV001974619.5), dbSNP rs1254879982, ClinGen allele CA344108950.

ClinVar aggregate classification (germline): Uncertain significance (1 of 4 stars; one submission).

Conditions:
Hypokalemic periodic paralysis, type 1. Also called: HypoPP; Hypokalemic Periodic Paralysis Type 1 (AD). Identifiers: Orphanet 681, MedGen C3714580, MONDO:0042979, OMIM 170400.
Malignant hyperthermia, susceptibility to, 5 (MHS5). Also called: CACNA1S-Related Malignant Hyperthermia Susceptibility. Identifiers: Orphanet 423, MedGen C1866077, MONDO:0011163, OMIM 601887.

Submission:

Labcorp Genetics (formerly Invitae), Labcorp
Classification: Uncertain significance for Hypokalemic periodic paralysis, type 1; Malignant hyperthermia, susceptibility to, 5. Last evaluated: 2026-01-04. Review status: criteria provided, single submitter. Criteria: Invitae Variant Classification Sherloc (09022015). Collection method: clinical testing. Allele origin: germline.
Comment: This sequence change replaces alanine, which is neutral and non-polar, with threonine, which is neutral and polar, at codon 770 of the CACNA1S protein (p.Ala770Thr). This variant is not present in population databases (gnomAD no frequency). This variant has not been reported in the literature in individuals affected with CACNA1S-related conditions. ClinVar contains an entry for this variant (Variation ID: 1974619). Invitae Evidence Modeling of protein sequence and biophysical properties (such as structural, functional, and spatial information, amino acid conservation, physicochemical variation, residue mobility, and thermodynamic stability) indicates that this missense variant is not expected to disrupt CACNA1S protein function with a negative predictive value of 95%. In summary, the available evidence is currently insufficient to determine the role of this variant in disease. Therefore, it has been classified as a Variant of Uncertain Significance.